The following is an entry in ClinVar:

ClinVar aggregate classification (germline): Uncertain significance. Review status: criteria provided, multiple submitters, no conflicts (2 of 4 stars). 2 submissions from 2 submitters: Uncertain significance (2). Last evaluated 2025-10-22.

Conditions:
Inborn genetic diseases. Identifiers: MedGen C0950123, MeSH D030342.

Allele frequency attached by ClinVar (database versions not stated): gnomAD exomes below 0.00001.
gnomAD v4.1: 6 of 1,599,676 alleles (0.00038%); highest among the groups gnomAD compares: Non-Finnish European, 0.00043%; no homozygotes.

Submissions (2):

Ambry Genetics
Classification: Uncertain significance for Inborn genetic diseases. Last evaluated: 2025-10-22. Review status: criteria provided, single submitter. Criteria: Ambry Variant Classification Scheme 2023. Collection method: clinical testing. Allele origin: germline.

Labcorp Genetics (formerly Invitae), Labcorp
Classification: Uncertain significance. Last evaluated: 2021-03-25. Review status: criteria provided, single submitter. Criteria: Invitae Variant Classification Sherloc (09022015). Collection method: clinical testing. Allele origin: germline.
Comment: In summary, the available evidence is currently insufficient to determine the role of this variant in disease. Therefore, it has been classified as a Variant of Uncertain Significance. Algorithms developed to predict the effect of missense changes on protein structure and function output the following: SIFT: "Not Available"; PolyPhen-2: "Benign"; Align-GVGD: "Not Available". The methionine amino acid residue is found in multiple mammalian species, suggesting that this missense change does not adversely affect protein function. These predictions have not been confirmed by published functional studies and their clinical significance is uncertain. This variant has not been reported in the literature in individuals with MYO18B-related conditions. This variant is not present in population databases (ExAC no frequency). This sequence change replaces valine with methionine at codon 1313 of the MYO18B protein (p.Val1313Met). The valine residue is weakly conserved and there is a small physicochemical difference between valine and methionine.

NM_032608.7(MYO18B):c.3937G>A (p.Val1313Met)

Gene: MYO18B (myosin XVIIIB; plus strand). Cytogenetic location: 22q12.1.
Variant type: single nucleotide variant.
Coding change: c.3937G>A on transcript NM_032608.7 (MANE Select); coding-DNA position 3937, G replaced by A.
Protein change: p.Val1313Met; replaces valine 1313 with methionine.
Molecular consequence: missense variant.
Genome position (GRCh38, 1-based): chr22:25,868,371, G>A. VCF-style: chr22-25868371-G-A. GRCh37 (hg19) VCF-style: chr22-26264338-G-A.
Other names: c.3940G>A, p.Val1314Met (NM_001318245.2); c.3937G>A (NM_032608.5); short protein forms V1313M, V1314M.
Identifiers: ClinVar variation 1362700 (VCV001362700.7), dbSNP rs1278181881, ClinGen allele CA411006559.
Genomic context (GRCh38, chr22:25,868,371, plus strand): 5'-TTTCCCCAGGCCGTGGAGGAGCTCCTGGAGACCCTGGATCTGGAAAAGAAGGCGGTGGCT[G>A]TGGGGCACAGCCAAGTGAGTAGAGCTGCTTTCTTACAACATTCGCCCATCACATCAGGGA-3'
Protein context (NP_115997.5, residues 1303-1323): TLDLEKKAVA[Val1313Met]GHSQVFLKAG